The following is an entry in ClinVar:

NM_001083116.3(PRF1):c.1210A>G (p.Thr404Ala)

Gene: PRF1 (perforin 1; minus strand). Cytogenetic location: 10q22.1.
Variant type: single nucleotide variant.
Coding change: c.1210A>G on transcript NM_001083116.3 (MANE Select); coding-DNA position 1210, A replaced by G.
Protein change: p.Thr404Ala; replaces threonine 404 with alanine.
Molecular consequence: missense variant.
Genome position (GRCh38, 1-based): chr10:70,598,511, T>C on the plus strand (A>G on the coding strand, the complement: PRF1 is on the minus strand). VCF-style: chr10-70598511-T-C. GRCh37 (hg19) VCF-style: chr10-72358267-T-C.
Other names: c.1210A>G, p.Thr404Ala (NM_005041.6); short protein forms T404A.
Identifiers: ClinVar variation 1963167 (VCV001963167.2), dbSNP rs1848161527, ClinGen allele CA376956658.

ClinVar aggregate classification (germline): Uncertain significance (1 of 4 stars; one submission).

Conditions:
Familial hemophagocytic lymphohistiocytosis 2 (FHL2). Also called: PRF1-Related Familial Hemophagocytic Lymphohistiocytosis (PRF1-fHLH). Identifiers: Orphanet 540, MedGen C1863727, MONDO:0011337, OMIM 603553.

Allele frequency attached by ClinVar (database versions not stated): gnomAD exomes 0.00001; TOPMed 0.00001.
gnomAD v4.1: 4 of 1,613,028 alleles (0.00025%); highest among the groups gnomAD compares: Non-Finnish European, 0.00025%; no homozygotes.

Submission:

Labcorp Genetics (formerly Invitae), Labcorp
Classification: Uncertain significance for Familial hemophagocytic lymphohistiocytosis 2. Last evaluated: 2022-05-22. Review status: criteria provided, single submitter. Criteria: Invitae Variant Classification Sherloc (09022015). Collection method: clinical testing. Allele origin: germline.
Comment: This sequence change replaces threonine, which is neutral and polar, with alanine, which is neutral and non-polar, at codon 404 of the PRF1 protein (p.Thr404Ala). This variant is not present in population databases (gnomAD no frequency). This variant has not been reported in the literature in individuals affected with PRF1-related conditions. Algorithms developed to predict the effect of missense changes on protein structure and function (SIFT, PolyPhen-2, Align-GVGD) all suggest that this variant is likely to be tolerated. In summary, the available evidence is currently insufficient to determine the role of this variant in disease. Therefore, it has been classified as a Variant of Uncertain Significance.